The following is an entry in ClinVar:

NM_138272.3(MPIG6B):c.154G>A (p.Ala52Thr)

Gene: MPIG6B (megakaryocyte and platelet inhibitory receptor G6b; plus strand). Cytogenetic location: 6p21.33.
Variant type: single nucleotide variant.
Coding change: c.154G>A on transcript NM_138272.3 (MANE Select); coding-DNA position 154, G replaced by A.
Protein change: p.Ala52Thr; replaces alanine 52 with threonine.
Molecular consequence: missense variant.
Genome position (GRCh38, 1-based): chr6:31,723,731, G>A. VCF-style: chr6-31723731-G-A. GRCh37 (hg19) VCF-style: chr6-31691508-G-A.
Other names: p.Ala52Thr; c.154G>A, p.Ala52Thr (NM_025260.4, NM_138273.3, NM_138274.3 and 2 more transcripts); short protein forms A52T.
Identifiers: ClinVar variation 3379643 (VCV003379643.2).

ClinVar aggregate classification (germline): Uncertain significance. Review status: criteria provided, multiple submitters, no conflicts (2 of 4 stars). 2 submissions from 2 submitters: Uncertain significance (2). Last evaluated 2024-09-19.

Conditions:
Thrombocytopenia, anemia, and myelofibrosis (THAMY). Identifiers: MedGen C4479504, MONDO:0044316, OMIM 617441.

Submissions (2):

St. Jude Molecular Pathology, St. Jude Children's Research Hospital
Classification: Uncertain significance for Thrombocytopenia, anemia, and myelofibrosis. Last evaluated: 2024-09-19. Review status: criteria provided, single submitter. Criteria: St. Jude Assertion Criteria 2020. Collection method: clinical testing. Allele origin: germline.
Comment: The MPIG6B c.154G>A (p.Ala52Thr) change has a maximum subpopulation frequency of 0.053% in gnomAD v2.1.1. The in silico tool REVEL predicts a benign effect on protein function, and to our knowledge, functional studies have not been performed. To our knowledge, this variant has not been reported in individuals with MPIG6B-associated conditions. In summary, the evidence currently available is insufficient to determine the clinical significance of this variant. It has therefore been classified as of uncertain significance.

Mayo Clinic Laboratories, Mayo Clinic
Classification: Uncertain significance. Last evaluated: 2024-05-10. Review status: criteria provided, single submitter. Criteria: ACMG Guidelines, 2015. Collection method: clinical testing. Allele origin: germline. Observed: 1 variant allele.
Comment: BP4, PM1_supporting